The following is an entry in ClinVar:

NM_001486.4(GCKR):c.1453G>T (p.Val485Leu)

Gene: GCKR (glucokinase regulator; plus strand). Cytogenetic location: 2p23.3.
Variant type: single nucleotide variant.
Coding change: c.1453G>T on transcript NM_001486.4 (MANE Select); coding-DNA position 1453, G replaced by T.
Protein change: p.Val485Leu; replaces valine 485 with leucine.
Molecular consequence: missense variant.
Genome position (GRCh38, 1-based): chr2:27,518,818, G>T. VCF-style: chr2-27518818-G-T. GRCh37 (hg19) VCF-style: chr2-27741685-G-T.
Other names: short protein forms V485L.
Identifiers: ClinVar variation 1700283 (VCV001700283.2), dbSNP rs1670076163, ClinGen allele CA346392544.
Genomic context (GRCh38, chr2:27,518,818, plus strand): 5'-TTGACACCCCCATGTGTCTGCCCTTTTCAGAAGTTCCAGCGTGAGCTAAGCACCAAATGG[G>T]TGCTGAATACAGTGAGTACAGGTGCTCATGTGCTTCTTGGTAAGATCCTACAAAACCACA-3'
Protein context (NP_001477.2, residues 475-495): KFQRELSTKW[Val485Leu]LNTVSTGAHV

ClinVar aggregate classification (germline): Uncertain significance (1 of 4 stars; one submission).

Allele frequency attached by ClinVar (database versions not stated): gnomAD exomes below 0.00001.
gnomAD v4.1: 1 of 1,613,378 alleles (0.000062%); highest among the groups gnomAD compares: Non-Finnish European, 0.000085%; no homozygotes.

Submission:

GeneDx
Classification: Uncertain significance. Last evaluated: 2022-02-04. Review status: criteria provided, single submitter. Criteria: GeneDx Variant Classification Process June 2021. Collection method: clinical testing. Allele origin: germline. Affected: yes.
Comment: Has not been previously published as pathogenic or benign to our knowledge; Not observed at significant frequency in large population cohorts (gnomAD); In silico analysis supports that this missense variant does not alter protein structure/function